The following is an entry in ClinVar:

ClinVar aggregate classification (germline): Likely benign. Review status: criteria provided, multiple submitters, no conflicts (2 of 4 stars). 2 submissions from 2 submitters: Likely benign (2). Last evaluated 2026-06-18.

Conditions:
Retinoblastoma (RB1). Also called: RETINOBLASTOMA, SOMATIC. Identifiers: Orphanet 790, MedGen C0035335, MeSH D012175, MONDO:0008380, OMIM 180200, HP:0009919. Disease mechanism: loss of function. Inheritance: Both sporadic and heritable forms are tested..

Allele frequency attached by ClinVar (database versions not stated): gnomAD 0.00001; gnomAD exomes below 0.00001.
gnomAD v4.1: 5 of 1,557,098 alleles (0.00032%); highest among the groups gnomAD compares: East Asian, 0.0023%; no homozygotes.

Submissions (2):

Myriad Genetics, Inc.
Classification: Likely benign for Retinoblastoma. Last evaluated: 2026-06-18. Review status: criteria provided, single submitter. Criteria: Myriad Autosomal Dominant, Autosomal Recessive and X-Linked Classification Criteria (2023). Collection method: clinical testing. Allele origin: unknown.
Comment: This variant is considered likely benign. This variant is intronic and is not expected to impact mRNA splicing.

Labcorp Genetics (formerly Invitae), Labcorp
Classification: Likely benign for Retinoblastoma. Last evaluated: 2025-07-29. Review status: criteria provided, single submitter. Criteria: Invitae Variant Classification Sherloc (09022015). Collection method: clinical testing. Allele origin: germline.

NM_000321.3(RB1):c.501-19A>G

Gene: RB1 (RB transcriptional corepressor 1; plus strand). Cytogenetic location: 13q14.2.
Variant type: single nucleotide variant.
Coding change: c.501-19A>G on transcript NM_000321.3 (MANE Select); 19 bases into the intron before coding-DNA position 501, A replaced by G.
Molecular consequence: intron variant.
Genome position (GRCh38, 1-based): chr13:48,347,806, A>G. VCF-style: chr13-48347806-A-G. GRCh37 (hg19) VCF-style: chr13-48921942-A-G.
Identifiers: ClinVar variation 1593280 (VCV001593280.10), dbSNP rs1210034006, ClinGen allele CA609572694.